The following is an entry in ClinVar:

ClinVar aggregate classification (germline): Pathogenic. Review status: criteria provided, multiple submitters, no conflicts (2 of 4 stars). 2 submissions from 2 submitters: Pathogenic (2). Last evaluated 2026-07-01.

Conditions:
Hereditary nonpolyposis colorectal neoplasms. Identifiers: MedGen C0009405, MeSH D003123.
Hereditary cancer-predisposing syndrome. Also called: Neoplastic Syndromes, Hereditary; Hereditary neoplastic syndrome; Hereditary Cancer Syndrome; Tumor predisposition. Identifiers: Orphanet 140162, MedGen C0027672, MeSH D009386, MONDO:0015356.

Submissions (2):

Ambry Genetics
Classification: Pathogenic for Hereditary cancer-predisposing syndrome. Last evaluated: 2026-07-01. Review status: criteria provided, single submitter. Criteria: Ambry Variant Classification Scheme 2023. Collection method: clinical testing. Allele origin: germline.
Comment: The c.3281dupC pathogenic mutation, located in coding exon 5 of the MSH6 gene, results from a duplication of C at nucleotide position 3281, causing a translational frameshift with a predicted alternate stop codon (p.R1095Tfs*13). This variant is considered to be rare based on population cohorts in the Genome Aggregation Database (gnomAD). This variant is expected to result in loss of function by premature protein truncation or nonsense-mediated mRNA decay. As such, this variant is interpreted as a disease-causing mutation.

Labcorp Genetics (formerly Invitae), Labcorp
Classification: Pathogenic for Hereditary nonpolyposis colorectal neoplasms. Last evaluated: 2017-03-07. Review status: criteria provided, single submitter. Criteria: Invitae Variant Classification Sherloc (09022015). Collection method: clinical testing. Allele origin: germline.
Comment: While this particular variant has not been reported in the literature, loss-of-function variants in MSH6 are known to be pathogenic (PMID: 24362816, 18269114). For these reasons, this variant has been classified as Pathogenic. This sequence change inserts 1 nucleotide in exon 5 of the MSH6 mRNA (c.3281dupC), causing a frameshift at codon 1095. This creates a premature translational stop signal (p.Arg1095Thrfs*13) and is expected to result in an absent or disrupted protein product.

Literature cited by the submitters: PubMed 24362816 (cited by Labcorp Genetics (formerly Invitae), Labcorp); PubMed 18269114 (cited by Labcorp Genetics (formerly Invitae), Labcorp).

NM_000179.3(MSH6):c.3281dup (p.Arg1095fs)

Gene: MSH6 (mutS homolog 6; plus strand). Cytogenetic location: 2p16.3.
Variant type: Duplication.
Coding change: c.3281dup on transcript NM_000179.3 (MANE Select); coding-DNA position 3281, one base duplicated (C; older notation c.3281dupC).
Protein change: p.Arg1095fs; shifts the reading frame from arginine 1095.
Molecular consequence: frameshift variant.
Genome position (GRCh38, 1-based): chr2:47,803,528, C duplicated. VCF-style (leftmost placement, unchanged base first): chr2-47803527-T-TC. GRCh37 (hg19) VCF-style: chr2-48030666-T-TC.
Other names: c.2375dup, p.Arg793fs (NM_001281493.2, NM_001281494.2); c.2891dup, p.Arg965fs (NM_001281492.2); c.3281dupC (NM_000179.2); short protein forms R1095fs, R793fs, R965fs.
Identifiers: ClinVar variation 455245 (VCV000455245.10), dbSNP rs1553331454, ClinGen allele CA658655690.